The following is an entry in ClinVar:

ClinVar aggregate classification (germline): Pathogenic. Review status: criteria provided, multiple submitters, no conflicts (2 of 4 stars). 2 submissions from 2 submitters: Pathogenic (2). Last evaluated 2024-10-16.

Conditions:
SKIC2-related disorder. Also called: SKIC2-related condition.

Submissions (2):

Labcorp Genetics (formerly Invitae), Labcorp
Classification: Pathogenic. Last evaluated: 2024-10-16. Review status: criteria provided, single submitter. Criteria: Invitae Variant Classification Sherloc (09022015). Collection method: clinical testing. Allele origin: germline.
Comment: This sequence change creates a premature translational stop signal (p.Ala538Profs*91) in the SKIV2L gene. It is expected to result in an absent or disrupted protein product. Loss-of-function variants in SKIV2L are known to be pathogenic (PMID: 22444670). This variant is not present in population databases (gnomAD no frequency). This variant has not been reported in the literature in individuals affected with SKIV2L-related conditions. ClinVar contains an entry for this variant (Variation ID: 1417038). For these reasons, this variant has been classified as Pathogenic.

PreventionGenetics, part of Exact Sciences
Classification: Pathogenic for SKIC2-related condition. Last evaluated: 2023-06-02. Review status: criteria provided, single submitter. Criteria: ACMG Guidelines, 2015. Collection method: clinical testing. Allele origin: germline.
Comment: The SKIC2 c.1612delG variant is predicted to result in a frameshift and premature protein termination (p.Ala538Profs*91). To our knowledge, this variant has not been reported in the literature or in a large population database, indicating this variant is rare. Other protein truncating variants upstream and downstream of the c.1612del variant have been reported in patients with autosomal recessive trichohepatoenteric syndrome (see for example Fabre et al. 2012. PubMed ID: 22444670; Bourgeois et al. 2018. PubMed ID: 29527791). Based on the available evidence, we classify this variant as pathogenic.

Literature cited by the submitters: PubMed 22444670 (cited by Labcorp Genetics (formerly Invitae), Labcorp).

NM_006929.5(SKIC2):c.1612del (p.Ala538fs)

Gene: SKIC2 (SKI2 subunit of superkiller complex; plus strand). Cytogenetic location: 6p21.33.
Variant type: Deletion.
Coding change: c.1612del on transcript NM_006929.5 (MANE Select); coding-DNA position 1612, one base deleted (G; older notation c.1612delG).
Protein change: p.Ala538fs; shifts the reading frame from alanine 538.
Molecular consequence: frameshift variant.
Genome position (GRCh38, 1-based): chr6:31,963,698, G deleted; the last of 4 consecutive G bases (chr6:31,963,695-31,963,698); deleting any one gives the same sequence. VCF-style (leftmost placement, unchanged base first): chr6-31963694-TG-T. GRCh37 (hg19) VCF-style: chr6-31931471-TG-T.
Other names: c.1612delG (NM_006929.4); short protein forms A538fs.
Identifiers: ClinVar variation 1417038 (VCV001417038.6), dbSNP rs1353707093, ClinGen allele CA566692987.